The following is an entry in ClinVar:

ClinVar aggregate classification (germline): Uncertain significance. Review status: criteria provided, multiple submitters, no conflicts (2 of 4 stars). 2 submissions from 2 submitters: Uncertain significance (2). Last evaluated 2024-10-16.

Conditions:
Inborn genetic diseases. Identifiers: MedGen C0950123, MeSH D030342.

Allele frequency attached by ClinVar (database versions not stated): gnomAD exomes 0.00002; ExAC 0.00010; 1000 Genomes Project 30x 0.00016; gnomAD 0.00031; ESP Exome Variant Server 0.00038; TOPMed 0.00038.
gnomAD v4.1: 80 of 1,610,524 alleles (0.005%); highest among the groups gnomAD compares: African/African-American, 0.089%; no homozygotes.

Submissions (2):

Labcorp Genetics (formerly Invitae), Labcorp
Classification: Uncertain significance. Last evaluated: 2024-10-16. Review status: criteria provided, single submitter. Criteria: Invitae Variant Classification Sherloc (09022015). Collection method: clinical testing. Allele origin: germline.
Comment: This sequence change replaces threonine, which is neutral and polar, with alanine, which is neutral and non-polar, at codon 16 of the PARS2 protein (p.Thr16Ala). This variant is present in population databases (rs199971599, gnomAD 0.1%). This variant has not been reported in the literature in individuals affected with PARS2-related conditions. ClinVar contains an entry for this variant (Variation ID: 2175512). An algorithm developed to predict the effect of missense changes on protein structure and function outputs the following: PolyPhen-2: "Benign". The alanine amino acid residue is found in multiple mammalian species, which suggests that this missense change does not adversely affect protein function. In summary, the available evidence is currently insufficient to determine the role of this variant in disease. Therefore, it has been classified as a Variant of Uncertain Significance.

Ambry Genetics
Classification: Uncertain significance for Inborn genetic diseases. Last evaluated: 2020-12-29. Review status: criteria provided, single submitter. Criteria: Ambry Variant Classification Scheme 2023. Collection method: clinical testing. Allele origin: germline.
Comment: The c.46A>G (p.T16A) alteration is located in exon 2 (coding exon 1) of the PARS2 gene. This alteration results from a A to G substitution at nucleotide position 46, causing the threonine (T) at amino acid position 16 to be replaced by an alanine (A). The p.T16A alteration is predicted to be tolerated by in silico analysis. Based on insufficient or conflicting evidence, the clinical significance of this alteration remains unclear.

NM_152268.4(PARS2):c.46A>G (p.Thr16Ala)

Gene: PARS2 (prolyl-tRNA synthetase 2, mitochondrial; minus strand). Cytogenetic location: 1p32.3.
Variant type: single nucleotide variant.
Coding change: c.46A>G on transcript NM_152268.4 (MANE Select); coding-DNA position 46, A replaced by G.
Protein change: p.Thr16Ala; replaces threonine 16 with alanine.
Molecular consequence: missense variant.
Genome position (GRCh38, 1-based): chr1:54,759,116, T>C on the plus strand (A>G on the coding strand, the complement: PARS2 is on the minus strand). VCF-style: chr1-54759116-T-C. GRCh37 (hg19) VCF-style: chr1-55224789-T-C.
Other names: c.46A>G (NM_152268.3); short protein forms T16A.
Identifiers: ClinVar variation 2175512 (VCV002175512.4), dbSNP rs199971599, ClinGen allele CA869564.